The following is an entry in ClinVar:

ClinVar aggregate classification (germline): Uncertain significance (1 of 4 stars; one submission).

Allele frequency attached by ClinVar (database versions not stated): gnomAD 0.00001; gnomAD exomes 0.00002; TOPMed 0.00002; ExAC 0.00003; ESP Exome Variant Server 0.00008.

Submission:

Labcorp Genetics (formerly Invitae), Labcorp
Classification: Uncertain significance. Last evaluated: 2022-05-05. Review status: criteria provided, single submitter. Criteria: Invitae Variant Classification Sherloc (09022015). Collection method: clinical testing. Allele origin: germline.
Comment: This sequence change replaces threonine, which is neutral and polar, with methionine, which is neutral and non-polar, at codon 749 of the ERCC2 protein (p.Thr749Met). This variant is present in population databases (rs373363992, gnomAD 0.003%). This variant has not been reported in the literature in individuals affected with ERCC2-related conditions. Algorithms developed to predict the effect of missense changes on protein structure and function (SIFT, PolyPhen-2, Align-GVGD) all suggest that this variant is likely to be tolerated. In summary, the available evidence is currently insufficient to determine the role of this variant in disease. Therefore, it has been classified as a Variant of Uncertain Significance.

NM_000400.4(ERCC2):c.2246C>T (p.Thr749Met)

Gene: ERCC2 (ERCC excision repair 2, TFIIH core complex helicase subunit; minus strand). Cytogenetic location: 19q13.32.
Variant type: single nucleotide variant.
Coding change: c.2246C>T on transcript NM_000400.4 (MANE Select); coding-DNA position 2246, C replaced by T.
Protein change: p.Thr749Met; replaces threonine 749 with methionine.
Molecular consequence: missense variant.
Genome position (GRCh38, 1-based): chr19:45,351,666, G>A on the plus strand (C>T on the coding strand, the complement: ERCC2 is on the minus strand). VCF-style: chr19-45351666-G-A. GRCh37 (hg19) VCF-style: chr19-45854924-G-A.
Other names: short protein forms T749M.
Identifiers: ClinVar variation 2179277 (VCV002179277.1), dbSNP rs373363992, ClinGen allele CA9512804.